The following is an entry in ClinVar:

ClinVar aggregate classification (germline): Uncertain significance (1 of 4 stars; one submission).

Allele frequency attached by ClinVar (database versions not stated): gnomAD exomes below 0.00001; TOPMed below 0.00001; gnomAD 0.00001.
gnomAD v4.1: 4 of 1,613,982 alleles (0.00025%); highest among the groups gnomAD compares: Non-Finnish European, 0.00025%; no homozygotes.

Submission:

Labcorp Genetics (formerly Invitae), Labcorp
Classification: Uncertain significance. Last evaluated: 2022-08-19. Review status: criteria provided, single submitter. Criteria: Invitae Variant Classification Sherloc (09022015). Collection method: clinical testing. Allele origin: germline.
Comment: This sequence change replaces lysine, which is basic and polar, with glutamic acid, which is acidic and polar, at codon 1250 of the USH2A protein (p.Lys1250Glu). This variant is not present in population databases (gnomAD no frequency). This variant has not been reported in the literature in individuals affected with USH2A-related conditions. Algorithms developed to predict the effect of missense changes on protein structure and function output the following: SIFT: "Tolerated"; PolyPhen-2: "Benign"; Align-GVGD: "Class C0". The glutamic acid amino acid residue is found in multiple mammalian species, which suggests that this missense change does not adversely affect protein function. In summary, the available evidence is currently insufficient to determine the role of this variant in disease. Therefore, it has been classified as a Variant of Uncertain Significance.

NM_206933.4(USH2A):c.3748A>G (p.Lys1250Glu)

Genes: USH2A (usherin; minus strand), USH2A-AS1 (USH2A antisense RNA 1; plus strand). Cytogenetic location: 1q41.
Variant type: single nucleotide variant.
Coding change: c.3748A>G on transcript NM_206933.4 (MANE Select); coding-DNA position 3748, A replaced by G.
Protein change: p.Lys1250Glu; replaces lysine 1250 with glutamic acid.
Molecular consequence: missense variant.
Genome position (GRCh38, 1-based): chr1:216,199,690, T>C on the plus strand (A>G on the coding strand, the complement: USH2A is on the minus strand). VCF-style: chr1-216199690-T-C. GRCh37 (hg19) VCF-style: chr1-216373032-T-C.
Other names: c.3748A>G, p.Lys1250Glu (NM_007123.6); short protein forms K1250E.
Identifiers: ClinVar variation 2415460 (VCV002415460.3), dbSNP rs1215228792, ClinGen allele CA344867775.